The following is an entry in ClinVar:

NM_000021.4(PSEN1):c.808A>G (p.Met270Val)

Gene: PSEN1 (presenilin 1; plus strand). Cytogenetic location: 14q24.2.
Variant type: single nucleotide variant.
Coding change: c.808A>G on transcript NM_000021.4 (MANE Select); coding-DNA position 808, A replaced by G.
Protein change: p.Met270Val; replaces methionine 270 with valine.
Molecular consequence: missense variant.
Genome position (GRCh38, 1-based): chr14:73,198,069, A>G. VCF-style: chr14-73198069-A-G. GRCh37 (hg19) VCF-style: chr14-73664777-A-G.
Other names: c.796A>G, p.Met266Val (NM_007318.3); short protein forms M266V, M270V.
Identifiers: ClinVar variation 1709834 (VCV001709834.5), dbSNP rs114317083, ClinGen allele CA7256828.
Genomic context (GRCh38, chr14:73,198,069, plus strand): 5'-TTTTATGTTTTTCTTTTTCTAGATTTAGTGGCTGTTTTGTGTCCGAAAGGTCCACTTCGT[A>G]TGCTGGTTGAAACAGCTCAGGAGAGAAATGAAACGCTTTTTCCAGCTCTCATTTACTCCT-3'
Protein context (NP_000012.1, residues 260-280): AVLCPKGPLR[Met270Val]LVETAQERNE

ClinVar aggregate classification (germline): Uncertain significance. Review status: criteria provided, multiple submitters, no conflicts (2 of 4 stars). 2 submissions from 2 submitters: Uncertain significance (2). Last evaluated 2025-02-24.

Conditions:
Alzheimer disease 3 (AD3). Also called: ALZHEIMER DISEASE, FAMILIAL, 3. Identifiers: Orphanet 1020, MedGen C1843013, MONDO:0011913, OMIM 607822.
Pick disease. Also called: Pick's disease; Pick Disease of the Brain; PICK DISEASE OF BRAIN; LOBAR ATROPHY OF BRAIN; DEMENTIA WITH LOBAR ATROPHY AND NEURONAL CYTOPLASMIC INCLUSIONS. Identifiers: Orphanet 282, MedGen C0236642, MONDO:0008243, OMIM 172700.
Acne inversa, familial, 3 (ACNINV3). Identifiers: MedGen C3151038, MONDO:0013398, OMIM 613737.
Frontotemporal dementia (FTD1). Also called: Frontotemporal lobe dementia (FLDEM); Dementia, frontotemporal, with or without parkinsonism; FRONTOTEMPORAL LOBAR DEGENERATION WITH TAU INCLUSIONS; FTLD WITH TAU INCLUSIONS; FRONTOTEMPORAL DEMENTIA WITH PARKINSONISM; FRONTOTEMPORAL LOBE DEMENTIA. Identifiers: Orphanet 282, MedGen C0338451, MONDO:0017276, OMIM 600274, HP:0002145.

Allele frequency attached by ClinVar (database versions not stated): TOPMed below 0.00001; ExAC 0.00001; gnomAD 0.00001; 1000 Genomes Project 30x 0.00016; 1000 Genomes Project 0.00020.
gnomAD v4.1: 32 of 1,613,052 alleles (0.002%); highest among the groups gnomAD compares: Non-Finnish European, 0.0026%; no homozygotes.

Submissions (2):

Labcorp Genetics (formerly Invitae), Labcorp
Classification: Uncertain significance for Alzheimer disease 3; Pick disease; Acne inversa, familial, 3; Frontotemporal dementia. Last evaluated: 2025-02-24. Review status: criteria provided, single submitter. Criteria: Invitae Variant Classification Sherloc (09022015). Collection method: clinical testing. Allele origin: germline.
Comment: This sequence change replaces methionine, which is neutral and non-polar, with valine, which is neutral and non-polar, at codon 270 of the PSEN1 protein (p.Met270Val). This variant is present in population databases (rs114317083, gnomAD 0.0009%). This variant has not been reported in the literature in individuals affected with PSEN1-related conditions. ClinVar contains an entry for this variant (Variation ID: 1709834). Invitae Evidence Modeling of protein sequence and biophysical properties (such as structural, functional, and spatial information, amino acid conservation, physicochemical variation, residue mobility, and thermodynamic stability) has been performed for this missense variant. However, the output from this modeling did not meet the statistical confidence thresholds required to predict the impact of this variant on PSEN1 protein function. In summary, the available evidence is currently insufficient to determine the role of this variant in disease. Therefore, it has been classified as a Variant of Uncertain Significance.

MGZ Medical Genetics Center
Classification: Uncertain significance for Frontotemporal dementia. Last evaluated: 2021-09-13. Review status: criteria provided, single submitter. Criteria: ACMG Guidelines, 2015. Collection method: clinical testing. Allele origin: germline. Affected: yes. Observed: 1 variant allele.
Comment: ACMG criteria applied: PM1, PM2_SUP, PP3